The following is an entry in ClinVar:

ClinVar aggregate classification (germline): Uncertain significance (1 of 4 stars; one submission).

Conditions:
Cardiovascular phenotype. Identifiers: MedGen CN230736.

gnomAD v4.1: 2 of 1,613,928 alleles (0.00012%); highest among the groups gnomAD compares: African/African-American, 0.0027%; no homozygotes.

Submission:

Ambry Genetics
Classification: Uncertain significance for Cardiovascular phenotype. Last evaluated: 2026-09-11. Review status: criteria provided, single submitter. Criteria: Ambry Variant Classification Scheme 2023. Collection method: clinical testing. Allele origin: germline.
Comment: The p.P3828S variant (also known as c.11482C>T), located in coding exon 26 of the APOB gene, results from a C to T substitution at nucleotide position 11482. The proline at codon 3828 is replaced by serine, an amino acid with similar properties. This amino acid position is conserved. In addition, this alteration is predicted to be tolerated by in silico analysis. Based on the available evidence, the clinical significance of this variant remains unclear.

NM_000384.3(APOB):c.11482C>T (p.Pro3828Ser)

Gene: APOB (apolipoprotein B; minus strand). Cytogenetic location: 2p24.1.
Variant type: single nucleotide variant.
Coding change: c.11482C>T on transcript NM_000384.3 (MANE Select); coding-DNA position 11482, C replaced by T.
Protein change: p.Pro3828Ser; replaces proline 3828 with serine.
Molecular consequence: missense variant.
Genome position (GRCh38, 1-based): chr2:21,005,386, G>A on the plus strand (C>T on the coding strand, the complement: APOB is on the minus strand). VCF-style: chr2-21005386-G-A. GRCh37 (hg19) VCF-style: chr2-21228258-G-A.
Other names: short protein forms P3828S.
Identifiers: ClinVar variation 3417079 (VCV003417079.2).